The following is an entry in ClinVar:

NM_000094.4(COL7A1):c.977-1G>C

Gene: COL7A1 (collagen type VII alpha 1 chain; minus strand). Cytogenetic location: 3p21.31.
Variant type: single nucleotide variant.
Coding change: c.977-1G>C on transcript NM_000094.4 (MANE Select); the canonical splice acceptor site of the intron before coding-DNA position 977, G replaced by C.
Molecular consequence: splice acceptor variant.
Genome position (GRCh38, 1-based): chr3:48,592,468, C>G on the plus strand (G>C on the coding strand, the complement: COL7A1 is on the minus strand). VCF-style: chr3-48592468-C-G. GRCh37 (hg19) VCF-style: chr3-48629901-C-G.
Identifiers: ClinVar variation 1676639 (VCV001676639.5), dbSNP rs2107793500, ClinGen allele CA352739275.

ClinVar aggregate classification (germline): Pathogenic/Likely pathogenic. Review status: criteria provided, multiple submitters, no conflicts (2 of 4 stars). 4 submissions from 4 submitters: Pathogenic (1); Likely pathogenic (3). Last evaluated 2026-03-05.

Conditions:
Epidermolysis bullosa dystrophica. Also called: Dystrophic epidermolysis bullosa, Hallopeau-Siemens type (formerly); Dystrophic epidermolysis bullosa. Identifiers: Orphanet 303, MedGen C0079294, MONDO:0006543.
Recessive dystrophic epidermolysis bullosa (RDEB). Also called: DYSTROPHIC EPIDERMOLYSIS BULLOSA, AUTOSOMAL RECESSIVE; EPIDERMOLYSIS BULLOSA DYSTROPHICA, HALLOPEAU-SIEMENS TYPE; Epidermolysis Bullosa Distrophica Autosomal Recessive (RDEB); Hallopeau-Siemens Disease; EPIDERMOLYSIS BULLOSA DYSTROPHICA, GENERALIZED SEVERE, AUTOSOMAL RECESSIVE; epidermolysis bullosa dystrophica, autosomal recessive. Identifiers: Orphanet 79408, Orphanet 79409, MedGen C0079474, MONDO:0009179, OMIM 226600.
Epidermolysis bullosa. Identifiers: MedGen C0014527, MeSH D004820, MONDO:0006541.

Submissions (4):

Mendelics
Classification: Pathogenic for Epidermolysis bullosa. Last evaluated: 2026-03-05. Review status: criteria provided, single submitter. Criteria: ACMG Guidelines, 2015. Collection method: clinical testing. Allele origin: unknown.
Comment: Likely pathogenic/Pathogenic according to ACMG criteria.

Dasa
Classification: Likely pathogenic. Last evaluated: 2025-06-27. Review status: criteria provided, single submitter. Criteria: DASA Assertion Criteria. Collection method: clinical testing. Allele origin: germline.
Comment: NM_000094.4(COL7A1):c.977-1G>C affects a canonical splice site and is predicted to disrupt normal RNA splicing. Loss of function is an established disease mechanism for COL7A1-associated disorders. Also, this variant is absent from population databases. Based on the currently available evidence, this variant is classified as likely pathogenic.

Natera, Inc.
Classification: Likely pathogenic for Dystrophic epidermolysis bullosa. Last evaluated: 2024-10-26. Review status: criteria provided, single submitter. Criteria: Natera Variant Classification Schema (03/2026). Collection method: clinical testing. Allele origin: germline.
Comment: The c.977-1G>C variant in COL7A1 is a canonical splice acceptor site variant predicted to affect pre-mRNA splicing, which may result in an abnormal transcript and altered protein product. This variant may result in a truncated or dysfunctional protein product. This variant is rare in the general population with a frequency below the threshold expected for the associated phenotype(s). This variant has been observed in one or more individuals affected with the associated recessive disease, as either homozygous or compound heterozygous with a second variant (PMID: 35979658). Given the available evidence, this variant is classified as Likely Pathogenic.

Center for Research in Genodermatoses and Epidermolysis Bullosa, University of Buenos Aires
Classification: Likely pathogenic for Recessive dystrophic epidermolysis bullosa. Last evaluated: 2022-03-14. Review status: criteria provided, single submitter. Criteria: ACMG Guidelines, 2015. Collection method: clinical testing. Allele origin: maternal. Affected: yes. Observed: 1 variant allele, 1 compound heterozygote.

Literature cited by the submitters: PubMed 35979658 (cited by Natera, Inc. and Center for Research in Genodermatoses and Epidermolysis Bullosa, University of Buenos Aires).